The following is an entry in ClinVar:

ClinVar aggregate classification (germline): Pathogenic/Likely pathogenic. Review status: criteria provided, multiple submitters, no conflicts (2 of 4 stars). 2 submissions from 2 submitters: Pathogenic (1); Likely pathogenic (1). Last evaluated 2025-05-30.

Conditions:
Aortic aneurysm, familial thoracic 4 (AAT4). Also called: AORTIC ANEURYSM/AORTIC DISSECTION AND PATENT DUCTUS ARTERIOSUS. Identifiers: MedGen C1851504, MONDO:0007568, OMIM 132900.

Submissions (2):

Dasa
Classification: Likely pathogenic. Last evaluated: 2025-05-30. Review status: criteria provided, single submitter. Criteria: DASA Assertion Criteria. Collection method: clinical testing. Allele origin: germline.
Comment: NM_002474.3(MYH11):c.1669C>T (p.Gln557*) is a nonsense variant in MYH11 predicted to introduce a premature termination codon and is predicted to result in an absent or altered protein product. Loss of function is an established disease mechanism for MYH11-associated disorders. Also, this variant is absent from population databases. Based on the currently available evidence, this variant is classified as likely pathogenic.

Labcorp Genetics (formerly Invitae), Labcorp
Classification: Pathogenic for Aortic aneurysm, familial thoracic 4. Last evaluated: 2024-07-23. Review status: criteria provided, single submitter. Criteria: Invitae Variant Classification Sherloc (09022015). Collection method: clinical testing. Allele origin: germline.
Comment: This sequence change creates a premature translational stop signal (p.Gln564*) in the MYH11 gene. It is expected to result in an absent or disrupted protein product. Loss-of-function variants in MYH11 are known to be pathogenic (PMID: 25407000, 29575632). This variant is not present in population databases (gnomAD no frequency). This variant has not been reported in the literature in individuals affected with MYH11-related conditions. ClinVar contains an entry for this variant (Variation ID: 846364). For these reasons, this variant has been classified as Pathogenic.

Literature cited by the submitters: PubMed 25407000 (cited by Labcorp Genetics (formerly Invitae), Labcorp); PubMed 29575632 (cited by Labcorp Genetics (formerly Invitae), Labcorp).

NM_002474.3(MYH11):c.1669C>T (p.Gln557Ter)

Gene: MYH11 (myosin heavy chain 11; minus strand). Cytogenetic location: 16p13.11.
Variant type: single nucleotide variant.
Coding change: c.1669C>T on transcript NM_002474.3 (MANE Select); coding-DNA position 1669, C replaced by T.
Protein change: p.Gln557Ter; replaces glutamine 557 with a stop codon.
Molecular consequence: nonsense.
Genome position (GRCh38, 1-based): chr16:15,756,421, G>A on the plus strand (C>T on the coding strand, the complement: MYH11 is on the minus strand). VCF-style: chr16-15756421-G-A. GRCh37 (hg19) VCF-style: chr16-15850278-G-A.
Other names: c.1690C>T, p.Gln564Ter (NM_001040113.2, NM_001040114.2); c.1669C>T, p.Gln557Ter (NM_022844.3); short protein forms Q564*, Q557*.
Identifiers: ClinVar variation 846364 (VCV000846364.10), dbSNP rs1439991530, ClinGen allele CA394870414.